The following is an entry in ClinVar:

NM_052947.4(ALPK2):c.239A>G (p.Asn80Ser)

Gene: ALPK2 (alpha kinase 2; minus strand). Cytogenetic location: 18q21.31.
Variant type: single nucleotide variant.
Coding change: c.239A>G on transcript NM_052947.4 (MANE Select); coding-DNA position 239, A replaced by G.
Protein change: p.Asn80Ser; replaces asparagine 80 with serine.
Molecular consequence: missense variant.
Genome position (GRCh38, 1-based): chr18:58,580,537, T>C on the plus strand (A>G on the coding strand, the complement: ALPK2 is on the minus strand). VCF-style: chr18-58580537-T-C. GRCh37 (hg19) VCF-style: chr18-56247769-T-C.
Other names: short protein forms N80S.
Identifiers: ClinVar variation 3289784 (VCV003289784.1).

ClinVar aggregate classification (germline): Uncertain significance (1 of 4 stars; one submission).

Submission:

Ambry Genetics
Classification: Uncertain significance. Last evaluated: 2024-03-18. Review status: criteria provided, single submitter. Criteria: Ambry Variant Classification Scheme 2023. Collection method: clinical testing. Allele origin: germline.
Comment: The p.N80S variant (also known as c.239A>G), located in coding exon 3 of the ALPK2 gene, results from an A to G substitution at nucleotide position 239. The asparagine at codon 80 is replaced by serine, an amino acid with highly similar properties. This amino acid position is conserved. In addition, this alteration is predicted to be tolerated by in silico analysis. Based on the available evidence, the clinical significance of this alteration remains unclear.